The following is an entry in ClinVar:

ClinVar aggregate classification (germline): Uncertain significance (1 of 4 stars; one submission).

Conditions:
Specific granule deficiency. Identifiers: Orphanet 169142, MedGen C0398593, MONDO:0009506.

Submission:

Labcorp Genetics (formerly Invitae), Labcorp
Classification: Uncertain significance for Specific granule deficiency. Last evaluated: 2023-11-20. Review status: criteria provided, single submitter. Criteria: Invitae Variant Classification Sherloc (09022015). Collection method: clinical testing. Allele origin: germline.
Comment: This sequence change replaces proline, which is neutral and non-polar, with threonine, which is neutral and polar, at codon 115 of the CEBPE protein (p.Pro115Thr). This variant is not present in population databases (gnomAD no frequency). This variant has not been reported in the literature in individuals affected with CEBPE-related conditions. An algorithm developed to predict the effect of missense changes on protein structure and function (PolyPhen-2) suggests that this variant is likely to be disruptive. In summary, the available evidence is currently insufficient to determine the role of this variant in disease. Therefore, it has been classified as a Variant of Uncertain Significance.

NM_001805.4(CEBPE):c.343C>A (p.Pro115Thr)

Gene: CEBPE (CCAAT enhancer binding protein epsilon; minus strand). Cytogenetic location: 14q11.2.
Variant type: single nucleotide variant.
Coding change: c.343C>A on transcript NM_001805.4 (MANE Select); coding-DNA position 343, C replaced by A.
Protein change: p.Pro115Thr; replaces proline 115 with threonine.
Molecular consequence: missense variant.
Genome position (GRCh38, 1-based): chr14:23,118,749, G>T on the plus strand (C>A on the coding strand, the complement: CEBPE is on the minus strand). VCF-style: chr14-23118749-G-T. GRCh37 (hg19) VCF-style: chr14-23587958-G-T.
Other names: short protein forms P115T.
Identifiers: ClinVar variation 2802586 (VCV002802586.2), dbSNP rs1462971245, ClinGen allele CA388953242.